The following is an entry in ClinVar:

NM_000518.5(HBB):c.[70G>T;79G>A]

Variant type: Haplotype.
Identifiers: ClinVar variation 3777010 (VCV003777010.1).

ClinVar aggregate classification (germline): Pathogenic (0 of 4 stars; one submission).

Conditions:
Unstable hemoglobin disease. Identifiers: Orphanet 99139, MedGen C0272006, MONDO:0020459.

Submission:

Centre for Research and Development of Medical Diagnostic Laboratories, Khon Kaen University
Classification: Pathogenic for Unstable hemoglobin disease. Last evaluated: 2024-08-25. Review status: no assertion criteria provided. Collection method: research. Allele origin: germline. Affected: yes.
Comment: DNA sequencing analysis of the whole β-globin gene revealed double mutations of Hb E (ClinVar ID: 15161) and Hb Palmerston North (ClinVar ID: 15306) in the same β-globin gene, namely Hb E-Palmerston North, which could be confirmed by multiplex allele-specific amplification. Hb analysis showed an unusually low level of Hb E in heterozygotic form. System stability prediction of the Hb E-Palmerston North expression indicated a weakening αβ contact, resulting in instability and a dramatic reduction of Hb variant (3.4%).